The following is an entry in ClinVar:

ClinVar aggregate classification (germline): Pathogenic (1 of 4 stars; one submission).

Conditions:
Hereditary nonpolyposis colorectal neoplasms. Identifiers: MedGen C0009405, MeSH D003123.

Submission:

Labcorp Genetics (formerly Invitae), Labcorp
Classification: Pathogenic for Hereditary nonpolyposis colon cancer. Last evaluated: 2019-10-09. Review status: criteria provided, single submitter. Criteria: Invitae Variant Classification Sherloc (09022015). Collection method: clinical testing. Allele origin: germline.
Comment: This sequence change creates a premature translational stop signal (p.Ile66Metfs*5) in the PMS2 gene. It is expected to result in an absent or disrupted protein product. This variant is not present in population databases (ExAC no frequency). This variant has not been reported in the literature in individuals with PMS2-related conditions. Loss-of-function variants in PMS2 are known to be pathogenic (PMID: 21376568, 24362816). For these reasons, this variant has been classified as Pathogenic.

NM_000535.7(PMS2):c.198_213del (p.Ile66fs)

Gene: PMS2 (PMS1 homolog 2, mismatch repair system component; minus strand). Cytogenetic location: 7p22.1.
Variant type: Deletion.
Coding change: c.198_213del on transcript NM_000535.7 (MANE Select); coding-DNA positions 198 to 213, 16 bases deleted (TGAAGTTTCAGACAAT).
Protein change: p.Ile66fs; shifts the reading frame from isoleucine 66.
Molecular consequence: frameshift variant. On other transcripts: 5 prime UTR variant (11), non-coding transcript variant (1).
Genome position (GRCh38, 1-based): chr7:6,004,009-6,004,024, ATTGTCTGAAACTTCA deleted on the plus strand (TGAAGTTTCAGACAAT on the coding strand, the reverse complement: PMS2 is on the minus strand); deleting any 16 consecutive bases within chr7:6,004,009-6,004,026 gives the same sequence; the c. name uses the placement nearest the transcript's 3' end. VCF-style (leftmost placement, unchanged base first): chr7-6004008-CATTGTCTGAAACTTCA-C. GRCh37 (hg19) VCF-style: chr7-6043639-CATTGTCTGAAACTTCA-C.
Other names: c.-208_-193del (NM_001322003.2, NM_001322004.2, NM_001322005.2 and 3 more transcripts); c.198_213del, p.Ile66fs (NM_001322006.2, NM_001322014.2); c.-18_-3del (NM_001322007.2, NM_001322008.2); c.-687_-672del (NM_001322011.2, NM_001322012.2); c.-287_-272del (NM_001322015.2); short protein forms I66fs.
Identifiers: ClinVar variation 971165 (VCV000971165.1), dbSNP rs1785420264, ClinGen allele CA1139659970.